The following is an entry in ClinVar:

NM_002907.4(RECQL):c.1009C>G (p.Leu337Val)

Gene: RECQL (RecQ like helicase; minus strand). Cytogenetic location: 12p12.1.
Variant type: single nucleotide variant.
Coding change: c.1009C>G on transcript NM_002907.4 (MANE Select); coding-DNA position 1009, C replaced by G.
Protein change: p.Leu337Val; replaces leucine 337 with valine.
Molecular consequence: missense variant.
Genome position (GRCh38, 1-based): chr12:21,475,765, G>C on the plus strand (C>G on the coding strand, the complement: RECQL is on the minus strand). VCF-style: chr12-21475765-G-C. GRCh37 (hg19) VCF-style: chr12-21628699-G-C.
Other names: c.1009C>G, p.Leu337Val (NM_032941.3); short protein forms L337V.
Identifiers: ClinVar variation 3787915 (VCV003787915.1).
Genomic context (GRCh38, chr12:21,475,765, plus strand): 5'-GAACTGTGGTCTTATCTTCTGGCTCCAAATTGGCATGGTAAGCACCTGCATGAATTCCCA[G>C]ATTCTGCAAACTAACCGTAACTTGTTCAGAGTCTTTCTGAGAAAAACAATATATGATTCC-3'
Protein context (NP_002898.2, residues 327-347): SEQVTVSLQN[Leu337Val]GIHAGAYHAN

ClinVar aggregate classification (germline): Uncertain significance (1 of 4 stars; one submission).

Submission:

Ambry Genetics
Classification: Uncertain significance. Last evaluated: 2025-02-05. Review status: criteria provided, single submitter. Criteria: Ambry Variant Classification Scheme 2023. Collection method: clinical testing. Allele origin: germline.
Comment: The p.L337V variant (also known as c.1009C>G), located in coding exon 8 of the RECQL gene, results from a C to G substitution at nucleotide position 1009. The leucine at codon 337 is replaced by valine, an amino acid with highly similar properties. This amino acid position is conserved. In addition, this alteration is predicted to be tolerated by in silico analysis. Based on the available evidence, the clinical significance of this variant remains unclear.